The following is an entry in ClinVar:

ClinVar aggregate classification (germline): Uncertain significance (1 of 4 stars; one submission).

Allele frequency attached by ClinVar (database versions not stated): ExAC 0.00002; gnomAD 0.00003; TOPMed 0.00003; gnomAD exomes 0.00004.
gnomAD v4.1: 62 of 1,603,878 alleles (0.0039%); highest among the groups gnomAD compares: Non-Finnish European, 0.0049%; no homozygotes.

Submission:

Labcorp Genetics (formerly Invitae), Labcorp
Classification: Uncertain significance. Last evaluated: 2023-05-11. Review status: criteria provided, single submitter. Criteria: Invitae Variant Classification Sherloc (09022015). Collection method: clinical testing. Allele origin: germline.
Comment: In summary, the available evidence is currently insufficient to determine the role of this variant in disease. Therefore, it has been classified as a Variant of Uncertain Significance. Variants that disrupt the consensus splice site are a relatively common cause of aberrant splicing (PMID: 17576681, 9536098). Algorithms developed to predict the effect of sequence changes on RNA splicing suggest that this variant is not likely to affect RNA splicing. This variant has not been reported in the literature in individuals affected with STUB1-related conditions. This variant is present in population databases (rs756314027, gnomAD 0.007%). This sequence change falls in intron 3 of the STUB1 gene. It does not directly change the encoded amino acid sequence of the STUB1 protein. It affects a nucleotide within the consensus splice site.

Literature cited by the submitters: PubMed 17576681; PubMed 9536098.

NM_005861.4(STUB1):c.524+3G>A

Gene: STUB1 (STIP1 homology and U-box containing protein 1; plus strand). Cytogenetic location: 16p13.3.
Variant type: single nucleotide variant.
Coding change: c.524+3G>A on transcript NM_005861.4 (MANE Select); 3 bases into the intron after coding-DNA position 524, G replaced by A.
Molecular consequence: intron variant.
Genome position (GRCh38, 1-based): chr16:681,606, G>A. VCF-style: chr16-681606-G-A. GRCh37 (hg19) VCF-style: chr16-731606-G-A.
Other names: c.308+3G>A (NM_001293197.2).
Identifiers: ClinVar variation 2964654 (VCV002964654.3), dbSNP rs756314027, ClinGen allele CA7786613.